The following is an entry in ClinVar:

ClinVar aggregate classification (germline): Uncertain significance (1 of 4 stars; one submission).

Conditions:
Neurodevelopmental disorder. Identifiers: MedGen C1535926, MeSH D065886, MONDO:0700092.

Submission:

Victorian Clinical Genetics Services, Murdoch Childrens Research Institute
Classification: Uncertain significance for Neurodevelopmental disorder. Last evaluated: 2025-02-06. Review status: criteria provided, single submitter. Criteria: ACMG Guidelines, 2015. Collection method: clinical testing. Allele origin: germline. Affected: yes.
Comment: This variant is classified as VUS-3B. Evidence in support of pathogenic classification: Variant is predicted to result in a truncated protein (premature termination codon is located within the first 102 nucleotides of the coding sequence and is predicted to escape nonsense-mediated decay); Variant is absent from gnomAD (v2, v3 and v4). Additional information: This variant is heterozygous; This gene is associated with autosomal dominant disease; This variant has no previous evidence of pathogenicity; No published segregation evidence has been identified for this variant; No published functional evidence has been identified for this variant; No comparable protein truncating variants have previous evidence for pathogenicity; Loss of function is a known mechanism of disease in this gene and is associated with neurodevelopmental disorder (MONDO:0700092), WDFY3-related. A macrocephaly phenotype is known to be caused by loss of function variants, while microcephaly 18, primary (MIM#617520) is likely due to gain of function and increased WNT signalling (PMID: 31327001, 27008544).

Literature cited by the submitters: PubMed 31327001; PubMed 27008544.

NM_014991.6(WDFY3):c.40G>T (p.Glu14Ter)

Gene: WDFY3 (WD repeat and FYVE domain containing 3; minus strand). Cytogenetic location: 4q21.23.
Variant type: single nucleotide variant.
Coding change: c.40G>T on transcript NM_014991.6 (MANE Select); coding-DNA position 40, G replaced by T.
Protein change: p.Glu14Ter; replaces glutamic acid 14 with a stop codon.
Molecular consequence: nonsense.
Genome position (GRCh38, 1-based): chr4:84,860,552, C>A on the plus strand (G>T on the coding strand, the complement: WDFY3 is on the minus strand). VCF-style: chr4-84860552-C-A. GRCh37 (hg19) VCF-style: chr4-85781705-C-A.
Other names: short protein forms E14*.
Identifiers: ClinVar variation 4531947 (VCV004531947.1).
Genomic context (GRCh38, chr4:84,860,552, plus strand): 5'-CCGTGAAGAGCCGGCGGAGGTGCATCAGTCCTAAGGCGTTGTCTTGTGGGCTGCACTCCT[C>A]CTGCCTCGGCCGCCCCATGATCCTCTTCACCATGTTCATCTTGGCTGGTTGGTGAGACGC-3'